The following is an entry in ClinVar:

NM_024642.5(GALNT12):c.137G>A (p.Gly46Glu)

Gene: GALNT12 (polypeptide N-acetylgalactosaminyltransferase 12; plus strand). Cytogenetic location: 9q22.33.
Variant type: single nucleotide variant.
Coding change: c.137G>A on transcript NM_024642.5 (MANE Select); coding-DNA position 137, G replaced by A.
Protein change: p.Gly46Glu; replaces glycine 46 with glutamic acid.
Molecular consequence: missense variant.
Genome position (GRCh38, 1-based): chr9:98,807,835, G>A. VCF-style: chr9-98807835-G-A. GRCh37 (hg19) VCF-style: chr9-101570117-G-A.
Other names: short protein forms G46E.
Identifiers: ClinVar variation 2586461 (VCV002586461.7), dbSNP rs2490455316, ClinGen allele CA374222373.

ClinVar aggregate classification (germline): Uncertain significance. Review status: criteria provided, multiple submitters, no conflicts (2 of 4 stars). 3 submissions from 3 submitters: Uncertain significance (3). Last evaluated 2025-12-21.

Conditions:
Colorectal cancer, susceptibility to, 1. Also called: COLORECTAL ADENOMA AND CANCER, SUSCEPTIBILITY TO; COLORECTAL CANCER, SUSCEPTIBILITY TO, ON CHROMOSOME 9. Identifiers: MedGen C1837315, MONDO:0012132, OMIM 608812.

Submissions (3):

Ambry Genetics
Classification: Uncertain significance. Last evaluated: 2025-12-21. Review status: criteria provided, single submitter. Criteria: Ambry Variant Classification Scheme 2023. Collection method: clinical testing. Allele origin: germline.
Comment: The p.G46E variant (also known as c.137G>A), located in coding exon 1 of the GALNT12 gene, results from a G to A substitution at nucleotide position 137. The glycine at codon 46 is replaced by glutamic acid, an amino acid with similar properties. This amino acid position is conserved. In addition, this alteration is predicted to be tolerated by in silico analysis. Since supporting evidence is limited at this time, the clinical significance of this alteration remains unclear.

Labcorp Genetics (formerly Invitae), Labcorp
Classification: Uncertain significance. Last evaluated: 2023-01-06. Review status: criteria provided, single submitter. Criteria: Invitae Variant Classification Sherloc (09022015). Collection method: clinical testing. Allele origin: germline.
Comment: In summary, the available evidence is currently insufficient to determine the role of this variant in disease. Therefore, it has been classified as a Variant of Uncertain Significance. Algorithms developed to predict the effect of missense changes on protein structure and function output the following: SIFT: "Tolerated"; PolyPhen-2: "Not Available"; Align-GVGD: "Class C0". The glutamic acid amino acid residue is found in multiple mammalian species, which suggests that this missense change does not adversely affect protein function. This variant has not been reported in the literature in individuals affected with GALNT12-related conditions. The frequency data for this variant in the population databases is considered unreliable, as metrics indicate insufficient coverage at this position in the gnomAD database. This sequence change replaces glycine, which is neutral and non-polar, with glutamic acid, which is acidic and polar, at codon 46 of the GALNT12 protein (p.Gly46Glu).

Department of Pathology and Laboratory Medicine, Sinai Health System
Classification: Uncertain significance for Colorectal cancer, susceptibility to, 1. Last evaluated: 2022-09-29. Review status: criteria provided, single submitter. Criteria: ACMG Guidelines, 2015. Collection method: clinical testing. Allele origin: germline.